The following is an entry in ClinVar:

NM_001848.3(COL6A1):c.769G>C (p.Gly257Arg)

Gene: COL6A1 (collagen type VI alpha 1 chain; plus strand). Cytogenetic location: 21q22.3.
Variant type: single nucleotide variant.
Coding change: c.769G>C on transcript NM_001848.3 (MANE Select); coding-DNA position 769, G replaced by C.
Protein change: p.Gly257Arg; replaces glycine 257 with arginine.
Molecular consequence: missense variant.
Genome position (GRCh38, 1-based): chr21:45,987,619, G>C. VCF-style: chr21-45987619-G-C. GRCh37 (hg19) VCF-style: chr21-47407533-G-C.
Other names: short protein forms G257R.
Identifiers: ClinVar variation 1324131 (VCV001324131.7), dbSNP rs762299598, ClinGen allele CA410520713.

ClinVar aggregate classification (germline): Likely pathogenic. Review status: criteria provided, multiple submitters, no conflicts (2 of 4 stars). 2 submissions from 2 submitters: Likely pathogenic (2). Last evaluated 2025-11-19.

Allele frequency attached by ClinVar (database versions not stated): TOPMed below 0.00001.

Submissions (2):

GeneDx
Classification: Likely pathogenic. Last evaluated: 2025-11-19. Review status: criteria provided, single submitter. Criteria: GeneDx Variant Classification Process June 2021. Collection method: clinical testing. Allele origin: germline. Affected: yes.
Comment: Replaces the glycine in the canonical Gly-X-Y repeat of the triple helical domain and is expected to disrupt normal protein folding and function, which is an established mechanism of disease (HGMD); Not observed at significant frequency in large population cohorts (gnomAD); In silico analysis supports that this missense variant has a deleterious effect on protein structure/function; Has not been previously published as pathogenic or benign to our knowledge

Revvity Omics, Revvity
Classification: Likely pathogenic. Last evaluated: 2019-10-11. Review status: criteria provided, single submitter. Criteria: ACMG Guidelines, 2015. Collection method: clinical testing. Allele origin: germline.